The following is an entry in ClinVar:

NM_005228.5(EGFR):c.2195T>C (p.Ile732Thr)

Gene: EGFR (epidermal growth factor receptor; plus strand). Cytogenetic location: 7p11.2.
Variant type: single nucleotide variant.
Coding change: c.2195T>C on transcript NM_005228.5 (MANE Select); coding-DNA position 2195, T replaced by C.
Protein change: p.Ile732Thr; replaces isoleucine 732 with threonine.
Molecular consequence: missense variant.
Genome position (GRCh38, 1-based): chr7:55,174,732, T>C. VCF-style: chr7-55174732-T-C. GRCh37 (hg19) VCF-style: chr7-55242425-T-C.
Other names: c.2060T>C, p.Ile687Thr (NM_001346897.2, NM_001346899.2); c.2195T>C, p.Ile732Thr (NM_001346898.2); c.2036T>C, p.Ile679Thr (NM_001346900.2); c.1394T>C, p.Ile465Thr (NM_001346941.2); short protein forms I465T, I679T, I687T, I732T.
Identifiers: ClinVar variation 1715385 (VCV001715385.5), dbSNP rs2534732432, ClinGen allele CA367583980.

ClinVar aggregate classification (germline): Uncertain significance (1 of 4 stars; one submission).

Conditions:
EGFR-related lung cancer (EGFR). Identifiers: MedGen CN130014.

Submission:

Labcorp Genetics (formerly Invitae), Labcorp
Classification: Uncertain significance for EGFR-related lung cancer. Last evaluated: 2022-08-06. Review status: criteria provided, single submitter. Criteria: Invitae Variant Classification Sherloc (09022015). Collection method: clinical testing. Allele origin: germline.
Comment: This sequence change replaces isoleucine, which is neutral and non-polar, with threonine, which is neutral and polar, at codon 732 of the EGFR protein (p.Ile732Thr). This variant is not present in population databases (gnomAD no frequency). This variant has not been reported in the literature in individuals affected with EGFR-related conditions. Algorithms developed to predict the effect of missense changes on protein structure and function are either unavailable or do not agree on the potential impact of this missense change (SIFT: "Deleterious"; PolyPhen-2: "Benign"; Align-GVGD: "Class C0"). In summary, the available evidence is currently insufficient to determine the role of this variant in disease. Therefore, it has been classified as a Variant of Uncertain Significance.